The following is an entry in ClinVar:

ClinVar aggregate classification (germline): Uncertain significance. Review status: criteria provided, multiple submitters, no conflicts (2 of 4 stars). 2 submissions from 2 submitters: Uncertain significance (2). Last evaluated 2025-12-15.

Submissions (2):

Labcorp Genetics (formerly Invitae), Labcorp
Classification: Uncertain significance. Last evaluated: 2025-12-15. Review status: criteria provided, single submitter. Criteria: Invitae Variant Classification Sherloc (09022015). Collection method: clinical testing. Allele origin: germline.
Comment: This sequence change replaces cysteine, which is neutral and slightly polar, with tyrosine, which is neutral and polar, at codon 2576 of the PCNT protein (p.Cys2576Tyr). This variant is not present in population databases (gnomAD no frequency). This variant has not been reported in the literature in individuals affected with PCNT-related conditions. ClinVar contains an entry for this variant (Variation ID: 1309260). An algorithm developed to predict the effect of missense changes on protein structure and function (PolyPhen-2) suggests that this variant is likely to be tolerated. In summary, the available evidence is currently insufficient to determine the role of this variant in disease. Therefore, it has been classified as a Variant of Uncertain Significance.

GeneDx
Classification: Uncertain significance. Last evaluated: 2019-11-07. Review status: criteria provided, single submitter. Criteria: GeneDx Variant Classification Process June 2021. Collection method: clinical testing. Allele origin: germline. Affected: yes.
Comment: Has not been previously published as pathogenic or benign to our knowledge; Not observed in large population cohorts (Lek et al., 2016); In silico analysis, which includes protein predictors and evolutionary conservation, supports a deleterious effect; Missense variant in a gene in which most reported pathogenic variants are truncating/loss-of-function

NM_006031.6(PCNT):c.7727G>A (p.Cys2576Tyr)

Gene: PCNT (pericentrin; plus strand). Cytogenetic location: 21q22.3.
Variant type: single nucleotide variant.
Coding change: c.7727G>A on transcript NM_006031.6 (MANE Select); coding-DNA position 7727, G replaced by A.
Protein change: p.Cys2576Tyr; replaces cysteine 2576 with tyrosine.
Molecular consequence: missense variant.
Genome position (GRCh38, 1-based): chr21:46,430,046, G>A. VCF-style: chr21-46430046-G-A. GRCh37 (hg19) VCF-style: chr21-47849960-G-A.
Other names: c.7373G>A, p.Cys2458Tyr (NM_001315529.2); short protein forms C2458Y, C2576Y.
Identifiers: ClinVar variation 1309260 (VCV001309260.3), dbSNP rs2147962858, ClinGen allele CA410571436.